The following is an entry in ClinVar:

NM_006593.4(TBR1):c.1920C>G (p.Ile640Met)

Gene: TBR1 (T-box brain transcription factor 1; plus strand). Cytogenetic location: 2q24.2.
Variant type: single nucleotide variant.
Coding change: c.1920C>G on transcript NM_006593.4 (MANE Select); coding-DNA position 1920, C replaced by G.
Protein change: p.Ile640Met; replaces isoleucine 640 with methionine.
Molecular consequence: missense variant.
Genome position (GRCh38, 1-based): chr2:161,424,098, C>G. VCF-style: chr2-161424098-C-G. GRCh37 (hg19) VCF-style: chr2-162280609-C-G.
Other names: short protein forms I640M.
Identifiers: ClinVar variation 3253092 (VCV003253092.1), dbSNP rs2468100709.

ClinVar aggregate classification (germline): Uncertain significance (1 of 4 stars; one submission).

Submission:

GeneDx
Classification: Uncertain significance. Last evaluated: 2023-04-19. Review status: criteria provided, single submitter. Criteria: GeneDx Variant Classification Process June 2021. Collection method: clinical testing. Allele origin: germline. Affected: yes.
Comment: Not observed at significant frequency in large population cohorts (gnomAD); In silico analysis supports that this missense variant does not alter protein structure/function; Has not been previously published as pathogenic or benign to our knowledge